The following is an entry in ClinVar:

ClinVar aggregate classification (germline): Uncertain significance (1 of 4 stars; one submission).

Conditions:
Acromesomelic dysplasia 1, Maroteaux type (AMD1). Also called: ST. HELENA DYSPLASIA; ACROMESOMELIC DYSPLASIA 1. Identifiers: Orphanet 40, MedGen C1864356, MONDO:0011275, OMIM 602875.
Tall stature-scoliosis-macrodactyly of the great toes syndrome. Also called: Epiphyseal chondrodysplasia, miura type. Identifiers: Orphanet 329191, MedGen C4014690, MONDO:0014401, OMIM 615923.

Allele frequency attached by ClinVar (database versions not stated): gnomAD exomes below 0.00001.
gnomAD v4.1: 1 of 1,614,178 alleles (0.000062%); highest among the groups gnomAD compares: South Asian, 0.0011%; no homozygotes.

Submission:

Labcorp Genetics (formerly Invitae), Labcorp
Classification: Uncertain significance for Tall stature-scoliosis-macrodactyly of the great toes syndrome; Acromesomelic dysplasia 1, Maroteaux type. Last evaluated: 2022-06-28. Review status: criteria provided, single submitter. Criteria: Invitae Variant Classification Sherloc (09022015). Collection method: clinical testing. Allele origin: germline.
Comment: In summary, the available evidence is currently insufficient to determine the role of this variant in disease. Therefore, it has been classified as a Variant of Uncertain Significance. Algorithms developed to predict the effect of missense changes on protein structure and function (SIFT, PolyPhen-2, Align-GVGD) all suggest that this variant is likely to be disruptive. This sequence change replaces alanine, which is neutral and non-polar, with valine, which is neutral and non-polar, at codon 936 of the NPR2 protein (p.Ala936Val). This variant has not been reported in the literature in individuals affected with NPR2-related conditions. This variant is not present in population databases (gnomAD no frequency).

NM_003995.4(NPR2):c.2807C>T (p.Ala936Val)

Genes: NPR2 (natriuretic peptide receptor 2; plus strand), SPAG8 (sperm associated antigen 8; minus strand). Cytogenetic location: 9p13.3.
Variant type: single nucleotide variant.
Coding change: c.2807C>T on transcript NM_003995.4 (MANE Select); coding-DNA position 2807, C replaced by T.
Protein change: p.Ala936Val; replaces alanine 936 with valine.
Molecular consequence: missense variant. On other transcripts: intron variant (2).
Genome position (GRCh38, 1-based): chr9:35,808,603, C>T. VCF-style: chr9-35808603-C-T. GRCh37 (hg19) VCF-style: chr9-35808600-C-T.
Other names: c.2816C>T, p.Ala939Val (NM_001378923.1); c.1201-297G>A (NM_001366760.2); c.1373-297G>A (NM_172312.2); short protein forms A936V, A939V.
Identifiers: ClinVar variation 1391667 (VCV001391667.7), dbSNP rs2132100815, ClinGen allele CA373385121.
Genomic context (GRCh38, chr9:35,808,603, plus strand): 5'-CTGGCCTCCCAGGCCGAAATGGTCAACGCCATGCACCAGAAATTGCTCGTATGGCCCTAG[C>T]ATTACTAGATGCAGTTTCTTCCTTTCGCATCCGCCACCGACCCCATGACCAGCTGAGGCT-3'
Protein context (NP_003986.2, residues 926-946): HAPEIARMAL[Ala936Val]LLDAVSSFRI